The following is an entry in ClinVar:

NM_003906.5(MCM3AP):c.5785-3T>C

Genes: MCM3AP (minichromosome maintenance complex component 3 associated protein; minus strand), MCM3AP-AS1 (MCM3AP antisense RNA 1; plus strand). Cytogenetic location: 21q22.3.
Variant type: single nucleotide variant.
Coding change: c.5785-3T>C on transcript NM_003906.5 (MANE Select); 3 bases into the intron before coding-DNA position 5785, T replaced by C.
Molecular consequence: intron variant.
Genome position (GRCh38, 1-based): chr21:46,235,429, A>G on the plus strand (T>C on the coding strand, the complement: MCM3AP is on the minus strand). VCF-style: chr21-46235429-A-G. GRCh37 (hg19) VCF-style: chr21-47655343-A-G.
Identifiers: ClinVar variation 2300038 (VCV002300038.2), dbSNP rs960017364, ClinGen allele CA321972949.
Genomic context (GRCh38, chr21:46,235,429, plus strand): 5'-CGCCTAGACACGTTCCTGTCGCCTCTGACAGCTGCAGTTGCTCCCTCATCATGTCACTCT[A>G]TTTGAATAAAAAAGAAACTGAACAGTTTTGGGATGTCAATAAACCACGACCTATCTCTGG-3'

ClinVar aggregate classification (germline): Uncertain significance (1 of 4 stars; one submission).

Conditions:
Inborn genetic diseases. Identifiers: MedGen C0950123, MeSH D030342.

Allele frequency attached by ClinVar (database versions not stated): TOPMed 0.00001; gnomAD exomes below 0.00001.
gnomAD v4.1: 2 of 1,613,756 alleles (0.00012%); highest among the groups gnomAD compares: African/African-American, 0.0027%; no homozygotes.

Submission:

Ambry Genetics
Classification: Uncertain significance for Inborn genetic diseases. Last evaluated: 2022-08-22. Review status: criteria provided, single submitter. Criteria: Ambry Variant Classification Scheme 2023. Collection method: clinical testing. Allele origin: germline.
Comment: The c.5785-3T>C intronic alteration consists of a T to C substitution 3 nucleotides before exon 28 of the MCM3AP gene. Based on insufficient or conflicting evidence, the clinical significance of this alteration remains unclear.